The following is an entry in ClinVar:

NM_014225.6(PPP2R1A):c.78+87T>C

Gene: PPP2R1A (protein phosphatase 2 scaffold subunit Aalpha; plus strand). Cytogenetic location: 19q13.41.
Variant type: single nucleotide variant.
Coding change: c.78+87T>C on transcript NM_014225.6 (MANE Select); 87 bases into the intron after coding-DNA position 78, T replaced by C.
Molecular consequence: intron variant.
Genome position (GRCh38, 1-based): chr19:52,190,261, T>C. VCF-style: chr19-52190261-T-C. GRCh37 (hg19) VCF-style: chr19-52693514-T-C.
Identifiers: ClinVar variation 2650383 (VCV002650383.24), dbSNP rs565538802, ClinGen allele CA2341728274.

ClinVar aggregate classification (germline): Likely benign (1 of 4 stars; one submission).

Submission:

CeGaT Center for Human Genetics Tuebingen
Classification: Likely benign. Last evaluated: 2023-07-01. Review status: criteria provided, single submitter. Criteria: CeGaT Center For Human Genetics Tuebingen Variant Classification Criteria Version 2. Collection method: clinical testing. Allele origin: germline. Affected: yes. Observed: 1 variant allele.
Comment: PPP2R1A: PM2:Supporting, BP4, BP7